The following is an entry in ClinVar:

NM_001378454.1(ALMS1):c.6856T>C (p.Phe2286Leu)

Gene: ALMS1 (ALMS1 centrosome and basal body associated protein; plus strand). Cytogenetic location: 2p13.1.
Variant type: single nucleotide variant.
Coding change: c.6856T>C on transcript NM_001378454.1 (MANE Select); coding-DNA position 6856, T replaced by C.
Protein change: p.Phe2286Leu; replaces phenylalanine 2286 with leucine.
Molecular consequence: missense variant.
Genome position (GRCh38, 1-based): chr2:73,453,383, T>C. VCF-style: chr2-73453383-T-C. GRCh37 (hg19) VCF-style: chr2-73680510-T-C.
Other names: c.6859T>C, p.Phe2287Leu (NM_015120.4); short protein forms F2286L, F2287L.
Identifiers: ClinVar variation 2417336 (VCV002417336.4), dbSNP rs1671990994, ClinGen allele CA347289711.
Genomic context (GRCh38, chr2:73,453,383, plus strand): 5'-TTGATGGAGGCAGAAAATATGGCACTGAAACGATGCAATTTTCCTGCTCCCCTTGCCCGT[T>C]TCAGAGATATTAGTGATATTTCATTTATACAATCTAAGAAGGTGGTTTGCTTCAAAGAAC-3'
Protein context (NP_001365383.1, residues 2276-2296): RCNFPAPLAR[Phe2286Leu]RDISDISFIQ

ClinVar aggregate classification (germline): Uncertain significance (1 of 4 stars; one submission).

Conditions:
Alstrom syndrome (ALMS). Identifiers: Orphanet 64, MedGen C0268425, MONDO:0008763, OMIM 203800.

Allele frequency attached by ClinVar (database versions not stated): TOPMed below 0.00001.

Submission:

Labcorp Genetics (formerly Invitae), Labcorp
Classification: Uncertain significance for Alstrom syndrome. Last evaluated: 2022-10-24. Review status: criteria provided, single submitter. Criteria: Invitae Variant Classification Sherloc (09022015). Collection method: clinical testing. Allele origin: germline.
Comment: In summary, the available evidence is currently insufficient to determine the role of this variant in disease. Therefore, it has been classified as a Variant of Uncertain Significance. Experimental studies and prediction algorithms are not available or were not evaluated, and the functional significance of this variant is currently unknown. This variant has not been reported in the literature in individuals affected with ALMS1-related conditions. This variant is not present in population databases (gnomAD no frequency). This sequence change replaces phenylalanine, which is neutral and non-polar, with leucine, which is neutral and non-polar, at codon 2287 of the ALMS1 protein (p.Phe2287Leu).